The following is an entry in ClinVar:

NM_001354483.2(CSGALNACT1):c.472C>T (p.Gln158Ter)

Gene: CSGALNACT1 (chondroitin sulfate N-acetylgalactosaminyltransferase 1; minus strand). Cytogenetic location: 8p21.3.
Variant type: single nucleotide variant.
Coding change: c.472C>T on transcript NM_001354483.2 (MANE Select); coding-DNA position 472, C replaced by T.
Protein change: p.Gln158Ter; replaces glutamine 158 with a stop codon.
Molecular consequence: nonsense. On other transcripts: non-coding transcript variant (7).
Genome position (GRCh38, 1-based): chr8:19,505,363, G>A on the plus strand (C>T on the coding strand, the complement: CSGALNACT1 is on the minus strand). VCF-style: chr8-19505363-G-A. GRCh37 (hg19) VCF-style: chr8-19362874-G-A.
Other names: c.472C>T, p.Gln158Ter (NM_001130518.2, NM_001354475.2, NM_001354476.2 and 18 more transcripts); short protein forms Q158*.
Identifiers: ClinVar variation 1709216 (VCV001709216.2), dbSNP rs1034099077, ClinGen allele CA173303328.
Genomic context (GRCh38, chr8:19,505,363, plus strand): 5'-CCCGCTTGTCCTTCCTCACAGGCTTCTCCTCGGGGTGGCGGGTAAGGCCAGTCTCCAGCT[G>A]GTACACCTTCTGTAGAGTAAAGCTATCGAAAGGCACTGCTGCATACTCTGTGGCCAGCTT-3'

ClinVar aggregate classification (germline): Pathogenic (1 of 4 stars; one submission).

Conditions:
Skeletal dysplasia, mild, with joint laxity and advanced bone age. Identifiers: MedGen C5394341, MONDO:0030029, OMIM 618870.

gnomAD v4.1: 6 of 1,614,204 alleles (0.00037%); highest among the groups gnomAD compares: South Asian, 0.0055%; no homozygotes.

Submission:

MGZ Medical Genetics Center
Classification: Pathogenic for Skeletal dysplasia, mild, with joint laxity and advanced bone age. Last evaluated: 2022-02-23. Review status: criteria provided, single submitter. Criteria: ACMG Guidelines, 2015. Collection method: clinical testing. Allele origin: germline. Affected: yes. Observed: 2 variant alleles.
Comment: ACMG criteria applied: PVS1, PM2_SUP, PM3_SUP